The following is an entry in ClinVar:

ClinVar aggregate classification (germline): Uncertain significance. Review status: criteria provided, multiple submitters, no conflicts (2 of 4 stars). 3 submissions from 3 submitters: Uncertain significance (3). Last evaluated 2026-03-23.

Conditions:
Ehlers-Danlos syndrome, classic type, 1 (EDSCL1). Also called: EDS I; Ehlers-Danlos syndrome, type 1; EHLERS-DANLOS SYNDROME, GRAVIS TYPE; EHLERS-DANLOS SYNDROME, SEVERE CLASSIC TYPE; Ehlers-Danlos Syndrome, Classic Type, COL5A1-Related. Identifiers: MedGen C0268335, MONDO:0019567, OMIM 130000.
Osteogenesis imperfecta type I (OI1). Also called: Osteogenesis imperfecta type 1; Lobstein's Disease; OI, TYPE I; OSTEOGENESIS IMPERFECTA TARDA; OSTEOGENESIS IMPERFECTA WITH BLUE SCLERAE; Lobstein disease. Identifiers: Orphanet 216796, Orphanet 666, MedGen C0023931, MONDO:0008146, OMIM 166200. Disease mechanism: loss of function.
Cardiovascular phenotype. Identifiers: MedGen CN230736.

Allele frequency attached by ClinVar (database versions not stated): ExAC 0.00007; gnomAD exomes 0.00003; gnomAD 0.00001.
gnomAD v4.1: 44 of 1,613,364 alleles (0.0027%); highest among the groups gnomAD compares: South Asian, 0.044%; 1 homozygote.

Submissions (3):

Ambry Genetics
Classification: Uncertain significance for Cardiovascular phenotype. Last evaluated: 2026-03-23. Review status: criteria provided, single submitter. Criteria: Ambry Variant Classification Scheme 2023. Collection method: clinical testing. Allele origin: germline.
Comment: The p.L470F variant (also known as c.1408C>T), located in coding exon 25 of the COL1A2 gene, results from a C to T substitution at nucleotide position 1408. The leucine at codon 470 is replaced by phenylalanine, an amino acid with highly similar properties. This amino acid position is conserved. In addition, the in silico prediction for this alteration is inconclusive. Based on the available evidence, the clinical significance of this variant remains unclear.

Labcorp Genetics (formerly Invitae), Labcorp
Classification: Uncertain significance for Osteogenesis imperfecta type I; Ehlers-Danlos syndrome, classic type, 1. Last evaluated: 2024-11-05. Review status: criteria provided, single submitter. Criteria: Invitae Variant Classification Sherloc (09022015). Collection method: clinical testing. Allele origin: germline.
Comment: This sequence change replaces leucine, which is neutral and non-polar, with phenylalanine, which is neutral and non-polar, at codon 470 of the COL1A2 protein (p.Leu470Phe). This variant is present in population databases (rs775283092, gnomAD 0.03%). This variant has not been reported in the literature in individuals affected with COL1A2-related conditions. ClinVar contains an entry for this variant (Variation ID: 1710581). Invitae Evidence Modeling of protein sequence and biophysical properties (such as structural, functional, and spatial information, amino acid conservation, physicochemical variation, residue mobility, and thermodynamic stability) indicates that this missense variant is not expected to disrupt COL1A2 protein function with a negative predictive value of 95%. In summary, the available evidence is currently insufficient to determine the role of this variant in disease. Therefore, it has been classified as a Variant of Uncertain Significance.

GeneDx
Classification: Uncertain significance. Last evaluated: 2022-04-13. Review status: criteria provided, single submitter. Criteria: GeneDx Variant Classification Process June 2021. Collection method: clinical testing. Allele origin: germline. Affected: yes.
Comment: In silico analysis supports that this missense variant does not alter protein structure/function; Has not been previously published as pathogenic or benign to our knowledge; Occurs in the triple helical domain at the Y position in the canonical Gly-X-Y repeat; although this variant may have an effect on normal protein folding and function, missense substitution at the Y position is not a common mechanism of disease (Stenson et al., 2014)

NM_000089.4(COL1A2):c.1408C>T (p.Leu470Phe)

Gene: COL1A2 (collagen type I alpha 2 chain; plus strand). Cytogenetic location: 7q21.3.
Variant type: single nucleotide variant.
Coding change: c.1408C>T on transcript NM_000089.4 (MANE Select); coding-DNA position 1408, C replaced by T.
Protein change: p.Leu470Phe; replaces leucine 470 with phenylalanine.
Molecular consequence: missense variant.
Genome position (GRCh38, 1-based): chr7:94,412,587, C>T. VCF-style: chr7-94412587-C-T. GRCh37 (hg19) VCF-style: chr7-94041899-C-T.
Other names: short protein forms L470F.
Identifiers: ClinVar variation 1710581 (VCV001710581.6), dbSNP rs775283092, ClinGen allele CA4347050.